The following is an entry in ClinVar:

ClinVar aggregate classification (germline): Conflicting classifications of pathogenicity. Review status: criteria provided, conflicting classifications (1 of 4 stars). 4 submissions from 4 submitters: Uncertain significance (3); Likely benign (1). Last evaluated 2025-08-24.

Conditions:
Hereditary cancer-predisposing syndrome. Also called: Hereditary Cancer Syndrome; Hereditary neoplastic syndrome; Tumor predisposition; Neoplastic Syndromes, Hereditary. Identifiers: Orphanet 140162, MedGen C0027672, MeSH D009386, MONDO:0015356.
Hereditary breast ovarian cancer syndrome. Also called: Breast and ovarian cancer; Hereditary breast and ovarian cancer syndrome; Hereditary breast and ovarian cancer syndrome (HBOC); BRCA1- and BRCA2-Associated Hereditary Breast and Ovarian Cancer; Hereditary breast and ovarian cancer; Hereditary breast and/or ovarian cancer syndrome. Identifiers: Orphanet 145, MedGen C0677776, MeSH D061325, MONDO:0003582. Disease mechanism: loss of function.

Submissions (4):

Color Diagnostics, LLC DBA Color Health
Classification: Uncertain significance for Hereditary cancer-predisposing syndrome. Last evaluated: 2025-08-24. Review status: criteria provided, single submitter. Criteria: ACMG Guidelines, 2015. Collection method: clinical testing. Allele origin: germline.
Comment: This missense variant replaces valine with leucine at codon 643 of the BRCA2 protein. Computational prediction suggests that this variant may not impact protein structure and function. To our knowledge, functional studies have not been reported for this variant. This variant has not been reported in individuals affected with BRCA2-related disorders in the literature. This variant has not been identified in the general population by the Genome Aggregation Database (gnomAD). The available evidence is insufficient to determine the role of this variant in disease conclusively. Therefore, this variant is classified as a Variant of Uncertain Significance.

Ambry Genetics
Classification: Uncertain significance for Hereditary cancer-predisposing syndrome. Last evaluated: 2025-07-12. Review status: criteria provided, single submitter. Criteria: Ambry Variant Classification Scheme 2023. Collection method: clinical testing. Allele origin: germline.
Comment: The p.V643L variant (also known as c.1927G>C), located in coding exon 10 of the BRCA2 gene, results from a G to C substitution at nucleotide position 1927. The valine at codon 643 is replaced by leucine, an amino acid with highly similar properties. This amino acid position is conserved. In addition, this alteration is predicted to be tolerated by in silico analysis. Based on the available evidence, the clinical significance of this variant remains unclear.

University of Washington Department of Laboratory Medicine, University of Washington
Classification: Likely benign for Hereditary cancer-predisposing syndrome. Last evaluated: 2023-03-23. Review status: criteria provided, single submitter. Criteria: Dines et al. (Genet Med. 2020). Collection method: curation. Allele origin: germline.
Comment: Missense variant in a coldspot region where missense variants are very unlikely to be pathogenic (PMID:31911673).

BRCA2 exon 11 coldspot. Reclassification based on statistical prior probability.

Labcorp Genetics (formerly Invitae), Labcorp
Classification: Uncertain significance for Hereditary breast ovarian cancer syndrome. Last evaluated: 2022-06-16. Review status: criteria provided, single submitter. Criteria: Invitae Variant Classification Sherloc (09022015). Collection method: clinical testing. Allele origin: germline.
Comment: This sequence change replaces valine, which is neutral and non-polar, with leucine, which is neutral and non-polar, at codon 643 of the BRCA2 protein (p.Val643Leu). This variant is not present in population databases (gnomAD no frequency). This variant has not been reported in the literature in individuals affected with BRCA2-related conditions. ClinVar contains an entry for this variant (Variation ID: 840999). Advanced modeling of protein sequence and biophysical properties (such as structural, functional, and spatial information, amino acid conservation, physicochemical variation, residue mobility, and thermodynamic stability) performed at Invitae indicates that this missense variant is not expected to disrupt BRCA2 protein function. In summary, the available evidence is currently insufficient to determine the role of this variant in disease. Therefore, it has been classified as a Variant of Uncertain Significance.

NM_000059.4(BRCA2):c.1927G>C (p.Val643Leu)

Gene: BRCA2 (BRCA2 DNA repair associated; plus strand). Cytogenetic location: 13q13.1.
Variant type: single nucleotide variant.
Coding change: c.1927G>C on transcript NM_000059.4 (MANE Select); coding-DNA position 1927, G replaced by C.
Protein change: p.Val643Leu; replaces valine 643 with leucine.
Molecular consequence: missense variant.
Genome position (GRCh38, 1-based): chr13:32,336,282, G>C. VCF-style: chr13-32336282-G-C. GRCh37 (hg19) VCF-style: chr13-32910419-G-C.
Other names: short protein forms V643L.
Identifiers: ClinVar variation 840999 (VCV000840999.12), dbSNP rs748394046, ClinGen allele CA387768285.